The following is an entry in ClinVar:

NM_007294.4(BRCA1):c.1700_1701dup (p.Pro568fs)

Gene: BRCA1 (BRCA1 DNA repair associated; minus strand). Cytogenetic location: 17q21.31.
Variant type: Duplication.
Coding change: c.1700_1701dup on transcript NM_007294.4 (MANE Select); coding-DNA positions 1700 to 1701, 2 bases duplicated (AT; older notation c.1700_1701dupAT).
Protein change: p.Pro568fs; shifts the reading frame from proline 568.
Molecular consequence: frameshift variant. On other transcripts: intron variant (137).
Genome position (GRCh38, 1-based): chr17:43,093,830-43,093,831, AT duplicated on the plus strand (AT on the coding strand, the reverse complement: BRCA1 is on the minus strand). VCF-style (leftmost placement, unchanged base first): chr17-43093829-G-GAT. GRCh37 (hg19) VCF-style: chr17-41245846-G-GAT.
Other names: c.1700_1701dupAT (NM_007294.3); c.646+913_646+914dup (NM_001408453.1, NM_001408461.1, NM_001408467.1 and 11 more transcripts); c.784+913_784+914dup (NM_001408397.1, NM_001408401.1, NM_001408396.1 and 13 more transcripts); c.664+913_664+914dup (NM_001408436.1, NM_001408444.1, NM_001408438.1 and 12 more transcripts); c.787+913_787+914dup (NM_001407980.1, NM_001407993.1, NM_001407976.1 and 19 more transcripts); c.652+913_652+914dup (NM_001408451.1); c.643+913_643+914dup (NM_001408464.1, NM_001408468.1, NM_001408465.1 and 3 more transcripts); c.523+913_523+914dup (NM_001408498.1, NM_001408501.1, NM_001408500.1 and 3 more transcripts); and 41 more; short protein forms P568fs, P521fs, P440fs, P457fs, P501fs, P520fs, P542fs, P272fs.
Identifiers: ClinVar variation 1778339 (VCV001778339.2), dbSNP rs2552199954, ClinGen allele CA2580094139.

ClinVar aggregate classification (germline): Pathogenic (1 of 4 stars; one submission).

Conditions:
Hereditary cancer-predisposing syndrome. Also called: Neoplastic Syndromes, Hereditary; Tumor predisposition; Hereditary Cancer Syndrome; Hereditary neoplastic syndrome. Identifiers: Orphanet 140162, MedGen C0027672, MeSH D009386, MONDO:0015356.

Submission:

Ambry Genetics
Classification: Pathogenic for Hereditary cancer-predisposing syndrome. Last evaluated: 2019-12-27. Review status: criteria provided, single submitter. Criteria: Ambry Variant Classification Scheme 2023. Collection method: clinical testing. Allele origin: germline.
Comment: The c.1700_1701dupAT variant, located in coding exon 9 of the BRCA1 gene, results from a duplication of AT at nucleotide position 1700, causing a translational frameshift with a predicted alternate stop codon (p.P568Ifs*5). This alteration is expected to result in loss of function by premature protein truncation or nonsense-mediated mRNA decay. As such, this alteration is interpreted as a disease-causing mutation.